The following is an entry in ClinVar:

NM_006940.6(SOX5):c.1639C>T (p.Arg547Ter)

Gene: SOX5 (SRY-box transcription factor 5; minus strand). Cytogenetic location: 12p12.1.
Variant type: single nucleotide variant.
Coding change: c.1639C>T on transcript NM_006940.6 (MANE Select); coding-DNA position 1639, C replaced by T.
Protein change: p.Arg547Ter; replaces arginine 547 with a stop codon.
Molecular consequence: nonsense.
Genome position (GRCh38, 1-based): chr12:23,543,343, G>A on the plus strand (C>T on the coding strand, the complement: SOX5 is on the minus strand). VCF-style: chr12-23543343-G-A. GRCh37 (hg19) VCF-style: chr12-23696277-G-A.
Other names: c.1276C>T, p.Arg426Ter (NM_001261414.3); c.1609C>T, p.Arg537Ter (NM_001261415.3); c.1534C>T, p.Arg512Ter (NM_001330785.2); c.1600C>T, p.Arg534Ter (NM_152989.5); c.481C>T, p.Arg161Ter (NM_178010.4); c.1639C>T (NM_006940.4, NM_006940.5); short protein forms R161*, R426*, R512*, R534*, R537*, R547*.
Identifiers: ClinVar variation 1297543 (VCV001297543.5), dbSNP rs1942475523, ClinGen allele CA384319985.

ClinVar aggregate classification (germline): Pathogenic. Review status: criteria provided, multiple submitters, no conflicts (2 of 4 stars). 4 submissions from 4 submitters: Pathogenic (2). 2 of the submissions do not count toward it. Last evaluated 2025-02-23.

Conditions:
Lamb-Shaffer syndrome. Identifiers: Orphanet 313884, Orphanet 313892, Orphanet 530983, MedGen C4225202, MONDO:0014778, OMIM 616803.

Submissions (4):

GeneDx
Classification: Pathogenic. Last evaluated: 2025-02-23. Review status: criteria provided, single submitter. Criteria: GeneDx Variant Classification Process June 2021. Collection method: clinical testing. Allele origin: germline. Affected: yes.
Comment: Apparently de novo variant in patients with SOX5-related neurodevelopmental disorder referred for genetic testing at GeneDx and in the published literature (PMID: 39075495); Nonsense variant predicted to result in protein truncation or nonsense mediated decay in a gene for which loss of function is a known mechanism of disease; Not observed at significant frequency in large population cohorts (gnomAD); This variant is associated with the following publications: (PMID: 39075495)

Clinical Genetics Service, Universitary Hospital 12 de Octubre
Classification: Pathogenic for Lamb-Shaffer syndrome. Review status: criteria provided, single submitter. Criteria: ACMG Guidelines, 2015. Collection method: clinical testing. Allele origin: de novo. Affected: yes.

Clinical Genetics DNA and cytogenetics Diagnostics Lab, Erasmus MC, Erasmus Medical Center
Classification: Pathogenic. Review status: no assertion criteria provided. Collection method: clinical testing. Allele origin: germline. Affected: yes. Study: VKGL Data-share Consensus. Not counted in ClinVar's aggregate classification.

Joint Genome Diagnostic Labs from Nijmegen and Maastricht, Radboudumc and MUMC+
Classification: Pathogenic. Review status: no assertion criteria provided. Collection method: clinical testing. Allele origin: germline. Affected: yes. Study: VKGL Data-share Consensus. Not counted in ClinVar's aggregate classification.